The following is an entry in ClinVar:

NM_001367624.2(ZNF469):c.6599C>A (p.Thr2200Lys)

Gene: ZNF469 (zinc finger protein 469; plus strand). Cytogenetic location: 16q24.2.
Variant type: single nucleotide variant.
Coding change: c.6599C>A on transcript NM_001367624.2 (MANE Select); coding-DNA position 6599, C replaced by A.
Protein change: p.Thr2200Lys; replaces threonine 2200 with lysine.
Molecular consequence: missense variant.
Genome position (GRCh38, 1-based): chr16:88,434,069, C>A. VCF-style: chr16-88434069-C-A. GRCh37 (hg19) VCF-style: chr16-88500477-C-A.
Other names: NM_001127464.1:c.6515C>A; short protein forms T2200K.
Identifiers: ClinVar variation 4866996 (VCV004866996.1).

ClinVar aggregate classification (germline): Uncertain significance (1 of 4 stars; one submission).

Conditions:
Cardiovascular phenotype. Identifiers: MedGen CN230736.

gnomAD v4.1: 1 of 1,550,362 alleles (0.000065%); highest among the groups gnomAD compares: Non-Finnish European, 0.000087%; no homozygotes.

Submission:

Ambry Genetics
Classification: Uncertain significance for Cardiovascular phenotype. Last evaluated: 2026-04-20. Review status: criteria provided, single submitter. Criteria: Ambry Variant Classification Scheme 2023. Collection method: clinical testing. Allele origin: germline.
Comment: The p.T2172K variant (also known as c.6515C>A), located in coding exon 2 of the ZNF469 gene, results from a C to A substitution at nucleotide position 6515. The threonine at codon 2172 is replaced by lysine, an amino acid with similar properties. This amino acid position is conserved. In addition, this alteration is predicted to be tolerated by in silico analysis. Based on the available evidence, the clinical significance of this variant remains unclear.